The following is an entry in ClinVar:

ClinVar aggregate classification (germline): Conflicting classifications of pathogenicity. Review status: criteria provided, conflicting classifications (1 of 4 stars). 2 submissions from 2 submitters: Uncertain significance (1); Likely benign (1). Last evaluated 2023-07-01.

Conditions:
SLC34A1-related disorder. Also called: SLC34A1-related disorders; SLC34A1-related condition.

Allele frequency attached by ClinVar (database versions not stated): gnomAD exomes 0.00001; TOPMed 0.00001; gnomAD 0.00002.
gnomAD v4.1: 22 of 1,537,066 alleles (0.0014%); highest among the groups gnomAD compares: Middle Eastern, 0.017%; no homozygotes.

Submissions (2):

CeGaT Center for Human Genetics Tuebingen
Classification: Likely benign. Last evaluated: 2023-07-01. Review status: criteria provided, single submitter. Criteria: CeGaT Center For Human Genetics Tuebingen Variant Classification Criteria Version 2. Collection method: clinical testing. Allele origin: germline. Affected: yes. Observed: 1 variant allele.
Comment: SLC34A1: BP4

PreventionGenetics, part of Exact Sciences
Classification: Uncertain significance for SLC34A1-related condition. Last evaluated: 2023-05-30. Review status: criteria provided, single submitter. Criteria: ACMG Guidelines, 2015. Collection method: clinical testing. Allele origin: germline.
Comment: The SLC34A1 c.977G>A variant is predicted to result in the amino acid substitution p.Arg326His. Of note, this variant can be referred to as c.936+1307G>A (Intronic) with the more commonly reported transcript, NM_003052. To our knowledge, this variant has not been reported in the literature. This variant is reported in 0.0018% of alleles in individuals of European (Non-Finnish) descent in gnomAD. At this time, the clinical significance of this variant is uncertain due to the absence of conclusive functional and genetic evidence.

NM_003052.5(SLC34A1):c.936+1307G>A

Genes: SLC34A1 (solute carrier family 34 member 1; plus strand), LOC110121284 (VISTA enhancer hs2229; plus strand). Cytogenetic location: 5q35.3.
Variant type: single nucleotide variant.
Coding change: c.936+1307G>A on transcript NM_003052.5 (MANE Select); 1307 bases into the intron after coding-DNA position 936, G replaced by A.
Molecular consequence: intron variant. On other transcripts: missense variant (1).
Genome position (GRCh38, 1-based): chr5:177,389,679, G>A. VCF-style: chr5-177389679-G-A. GRCh37 (hg19) VCF-style: chr5-176816680-G-A.
Other names: c.977G>A, p.Arg326His (NM_001167579.2); short protein forms R326H.
Identifiers: ClinVar variation 2632132 (VCV002632132.24), dbSNP rs1306742152, ClinGen allele CA362309656.